The following is an entry in ClinVar:

ClinVar aggregate classification (germline): Uncertain significance. Review status: criteria provided, multiple submitters, no conflicts (2 of 4 stars). 3 submissions from 3 submitters: Uncertain significance (2). 1 of the submissions does not count toward it. Last evaluated 2022-07-19.

Conditions:
Congenital myasthenic syndrome (CMS). Also called: Congenital Myasthenic Syndromes. Identifiers: Orphanet 590, MedGen C0751882, MeSH D020294, MONDO:0018940.
Inborn genetic diseases. Identifiers: MedGen C0950123, MeSH D030342.
Congenital myasthenic syndrome 4A. Also called: Myasthenic syndrome, congenital, 4a, slow-channel; CONGENITAL MYASTHENIC SYNDROME TYPE Ia1; MYASTHENIC SYNDROME, CONGENITAL, 4A, SLOW-CHANNEL, AUTOSOMAL RECESSIVE. Identifiers: Orphanet 590, MedGen C4225413, MONDO:0011600, OMIM 605809.

Allele frequency attached by ClinVar (database versions not stated): gnomAD exomes 0.00001; TOPMed 0.00001.
gnomAD v4.1: 21 of 1,600,538 alleles (0.0013%); highest among the groups gnomAD compares: Admixed American, 0.0017%; no homozygotes.

Submissions (3):

Labcorp Genetics (formerly Invitae), Labcorp
Classification: Uncertain significance for Congenital myasthenic syndrome 4A. Last evaluated: 2022-07-19. Review status: criteria provided, single submitter. Criteria: Invitae Variant Classification Sherloc (09022015). Collection method: clinical testing. Allele origin: germline.
Comment: This sequence change replaces threonine, which is neutral and polar, with alanine, which is neutral and non-polar, at codon 335 of the CHRNE protein (p.Thr335Ala). The frequency data for this variant in the population databases is considered unreliable, as metrics indicate poor data quality at this position in the gnomAD database. This variant has not been reported in the literature in individuals affected with CHRNE-related conditions. ClinVar contains an entry for this variant (Variation ID: 1020826). Algorithms developed to predict the effect of missense changes on protein structure and function are either unavailable or do not agree on the potential impact of this missense change (SIFT: "Deleterious"; PolyPhen-2: "Possibly Damaging"; Align-GVGD: "Class C0"). In summary, the available evidence is currently insufficient to determine the role of this variant in disease. Therefore, it has been classified as a Variant of Uncertain Significance.

Ambry Genetics
Classification: Uncertain significance for Inborn genetic diseases. Last evaluated: 2022-05-27. Review status: criteria provided, single submitter. Criteria: Ambry Variant Classification Scheme 2023. Collection method: clinical testing. Allele origin: germline.

Natera, Inc.
Classification: Uncertain significance for Congenital myasthenic syndrome. Last evaluated: 2020-02-13. Review status: no assertion criteria provided. Collection method: clinical testing. Allele origin: germline. Not counted in ClinVar's aggregate classification.

NM_000080.4(CHRNE):c.1003A>G (p.Thr335Ala)

Gene: CHRNE (cholinergic receptor nicotinic epsilon subunit; minus strand). Cytogenetic location: 17p13.2.
Variant type: single nucleotide variant.
Coding change: c.1003A>G on transcript NM_000080.4 (MANE Select); coding-DNA position 1003, A replaced by G.
Protein change: p.Thr335Ala; replaces threonine 335 with alanine.
Molecular consequence: missense variant.
Genome position (GRCh38, 1-based): chr17:4,899,497, T>C on the plus strand (A>G on the coding strand, the complement: CHRNE is on the minus strand). VCF-style: chr17-4899497-T-C. GRCh37 (hg19) VCF-style: chr17-4802792-T-C.
Other names: c.1003A>G (NM_000080.3); short protein forms T335A.
Identifiers: ClinVar variation 1020826 (VCV001020826.5), dbSNP rs1216965153, ClinGen allele CA397300857.
Genomic context (GRCh38, chr17:4,899,497, plus strand): 5'-ACCCGGGCTGCACCGCCCCCTCCGCGCTTACGTGGCGCAGCCGCGGGGACATGGCGTGGG[T>C]GGTGGGCGTCCGCTGGGACACGTTGAGCACGATGACGCAATTCATGACAATGAGCGTGGC-3'
Protein context (NP_000071.1, residues 325-345): VLNVSQRTPT[Thr335Ala]HAMSPRLRHV